The following is an entry in ClinVar:

ClinVar aggregate classification (germline): Conflicting classifications of pathogenicity. Review status: criteria provided, conflicting classifications (1 of 4 stars). 4 submissions from 4 submitters: Uncertain significance (3); Benign (1). Last evaluated 2026-04-23.

Conditions:
Primary ciliary dyskinesia 3. Identifiers: Orphanet 244, MedGen C1837618, MONDO:0012085, OMIM 608644.
Primary ciliary dyskinesia. Also called: Ciliary dyskinesia. Identifiers: Orphanet 244, MedGen C0008780, MONDO:0016575, HP:0012265.

Allele frequency attached by ClinVar (database versions not stated): gnomAD 0.00002; TOPMed 0.00006.
gnomAD v4.1: 17 of 1,613,984 alleles (0.0011%); highest among the groups gnomAD compares: Admixed American, 0.028%; no homozygotes.

Submissions (4):

GeneDx
Classification: Uncertain significance. Last evaluated: 2026-04-23. Review status: criteria provided, single submitter. Criteria: GeneDx Variant Classification Process June 2021. Collection method: clinical testing. Allele origin: germline.
Comment: In silico analysis suggests that this missense variant does not alter protein structure/function; Has not been previously published as pathogenic or benign to our knowledge

Labcorp Genetics (formerly Invitae), Labcorp
Classification: Benign for Primary ciliary dyskinesia. Last evaluated: 2025-06-03. Review status: criteria provided, single submitter. Criteria: Invitae Variant Classification Sherloc (09022015). Collection method: clinical testing. Allele origin: germline.

Ambry Genetics
Classification: Uncertain significance for Primary ciliary dyskinesia. Last evaluated: 2025-01-26. Review status: criteria provided, single submitter. Criteria: Ambry Variant Classification Scheme 2023. Collection method: clinical testing. Allele origin: germline.

Illumina Laboratory Services, Illumina
Classification: Uncertain significance for Primary ciliary dyskinesia 3. Last evaluated: 2018-01-12. Review status: criteria provided, single submitter. Criteria: ICSL Variant Classification Criteria 13 December 2019. Collection method: clinical testing. Allele origin: germline.

NM_001369.3(DNAH5):c.11616C>G (p.Ile3872Met)

Gene: DNAH5 (dynein axonemal heavy chain 5; minus strand). Cytogenetic location: 5p15.2.
Variant type: single nucleotide variant.
Coding change: c.11616C>G on transcript NM_001369.3 (MANE Select); coding-DNA position 11616, C replaced by G.
Protein change: p.Ile3872Met; replaces isoleucine 3872 with methionine.
Molecular consequence: missense variant.
Genome position (GRCh38, 1-based): chr5:13,735,276, G>C on the plus strand (C>G on the coding strand, the complement: DNAH5 is on the minus strand). VCF-style: chr5-13735276-G-C. GRCh37 (hg19) VCF-style: chr5-13735385-G-C.
Other names: short protein forms I3872M.
Identifiers: ClinVar variation 904816 (VCV000904816.14), dbSNP rs773699669, ClinGen allele CA3201891.